The following is an entry in ClinVar:

NM_002474.3(MYH11):c.3906G>A (p.Lys1302=)

Genes: NDE1 (nudE neurodevelopment protein 1; plus strand), MYH11 (myosin heavy chain 11; minus strand). Cytogenetic location: 16p13.11.
Variant type: single nucleotide variant.
Coding change: c.3906G>A on transcript NM_002474.3 (MANE Select); coding-DNA position 3906, G replaced by A.
Protein change: p.Lys1302=; no amino-acid change (lysine 1302 retained).
Molecular consequence: synonymous variant. On other transcripts: 3 prime UTR variant (2).
Genome position (GRCh38, 1-based): chr16:15,724,945, C>T on the plus strand (G>A on the coding strand, the complement: MYH11 is on the minus strand). VCF-style: chr16-15724945-C-T. GRCh37 (hg19) VCF-style: chr16-15818802-C-T.
Other names: c.3927G>A, p.Lys1309= (NM_001040113.2, NM_001040114.2); c.3906G>A, p.Lys1302= (NM_022844.3); c.*694C>T (NM_001143979.2, NM_017668.3).
Identifiers: ClinVar variation 926326 (VCV000926326.12), dbSNP rs1310898450, ClinGen allele CA493760272.
Genomic context (GRCh38, chr16:15,724,945, plus strand): 5'-CACCTGGGTGTCCTGGAGCTGGGAACTGAGGGACGCCACGTCCTTGGCCAGCTTAATGGC[C>T]TTCCCCTCGGCCTCGTTAAGCATCCCTGTGACGCTCTCAACTTCATTCTAAGGGTGCCAA-3'
Protein context (NP_002465.1, residues 1292-1312): VTGMLNEAEG[Lys1302=]AIKLAKDVAS

ClinVar aggregate classification (germline): Likely benign. Review status: criteria provided, multiple submitters, no conflicts (2 of 4 stars). 4 submissions from 4 submitters: Likely benign (4). Last evaluated 2023-06-28.

Conditions:
Aortic aneurysm, familial thoracic 4 (AAT4). Also called: AORTIC ANEURYSM/AORTIC DISSECTION AND PATENT DUCTUS ARTERIOSUS. Identifiers: MedGen C1851504, MONDO:0007568, OMIM 132900.
Familial thoracic aortic aneurysm and aortic dissection (TAAD). Also called: Thoracic aortic aneurysms and dissections. Identifiers: Orphanet 91387, MedGen C4707243, MONDO:0019625.

Allele frequency attached by ClinVar (database versions not stated): gnomAD exomes below 0.00001 and 0.00001; gnomAD 0.00001; TOPMed 0.00001.
gnomAD v4.1: 16 of 1,614,010 alleles (0.00099%); highest among the groups gnomAD compares: African/African-American, 0.0013%; no homozygotes.

Submissions (4):

All of Us Research Program, National Institutes of Health
Classification: Likely benign for Familial thoracic aortic aneurysm and aortic dissection. Last evaluated: 2023-06-28. Review status: criteria provided, single submitter. Criteria: ACMG Guidelines, 2015. Collection method: clinical testing. Allele origin: germline. Inheritance: Autosomal dominant inheritance. Observed: 1 variant allele, 1 heterozygote.
Comment: This study involves interpretation of variants in research participants for the purpose of population health screening. Participant phenotype was not available at the time of variant classification. Additional details can be found in publication PMID: 35346344, PMCID: PMC8962531

Labcorp Genetics (formerly Invitae), Labcorp
Classification: Likely benign for Aortic aneurysm, familial thoracic 4. Last evaluated: 2022-07-09. Review status: criteria provided, single submitter. Criteria: Invitae Variant Classification Sherloc (09022015). Collection method: clinical testing. Allele origin: germline.

Color Diagnostics, LLC DBA Color Health
Classification: Likely benign for Familial thoracic aortic aneurysm and aortic dissection. Last evaluated: 2020-01-28. Review status: criteria provided, single submitter. Criteria: ACMG Guidelines, 2015. Collection method: clinical testing. Allele origin: germline.

Ambry Genetics
Classification: Likely benign for Familial thoracic aortic aneurysm and aortic dissection. Last evaluated: 2019-12-12. Review status: criteria provided, single submitter. Criteria: Ambry Variant Classification Scheme 2023. Collection method: clinical testing. Allele origin: germline.